The following is an entry in ClinVar:

ClinVar aggregate classification (germline): Uncertain significance (1 of 4 stars; one submission).

Allele frequency attached by ClinVar (database versions not stated): gnomAD exomes below 0.00001.
gnomAD v4.1: 2 of 1,611,546 alleles (0.00012%); highest among the groups gnomAD compares: Admixed American, 0.0033%; no homozygotes.

Submission:

Labcorp Genetics (formerly Invitae), Labcorp
Classification: Uncertain significance. Last evaluated: 2021-09-19. Review status: criteria provided, single submitter. Criteria: Invitae Variant Classification Sherloc (09022015). Collection method: clinical testing. Allele origin: germline.
Comment: In summary, the available evidence is currently insufficient to determine the role of this variant in disease. Therefore, it has been classified as a Variant of Uncertain Significance. Variants that disrupt the consensus splice site are a relatively common cause of aberrant splicing (PMID: 17576681, 9536098). Algorithms developed to predict the effect of sequence changes on RNA splicing suggest that this variant may disrupt the consensus splice site. This variant has not been reported in the literature in individuals affected with CUL7-related conditions. This variant is not present in population databases (ExAC no frequency). This sequence change falls in intron 13 of the CUL7 gene. It does not directly change the encoded amino acid sequence of the CUL7 protein. It affects a nucleotide within the consensus splice site of the intron.

Literature cited by the submitters: PubMed 17576681; PubMed 9536098.

NM_014780.5(CUL7):c.2766+3A>T

Gene: CUL7 (cullin 7; minus strand). Cytogenetic location: 6p21.1.
Variant type: single nucleotide variant.
Coding change: c.2766+3A>T on transcript NM_014780.5 (MANE Select); 3 bases into the intron after coding-DNA position 2766, A replaced by T.
Molecular consequence: intron variant.
Genome position (GRCh38, 1-based): chr6:43,045,983, T>A on the plus strand (A>T on the coding strand, the complement: CUL7 is on the minus strand). VCF-style: chr6-43045983-T-A. GRCh37 (hg19) VCF-style: chr6-43013721-T-A.
Other names: c.2862+3A>T (NM_001168370.2, NM_001374872.1); c.2766+3A>T (NM_001374874.1, NM_001374873.1).
Identifiers: ClinVar variation 1354176 (VCV001354176.6), dbSNP rs1281257801, ClinGen allele CA567150320.